The following is an entry in ClinVar:

ClinVar aggregate classification (germline): Likely pathogenic. Review status: criteria provided, multiple submitters, no conflicts (2 of 4 stars). 2 submissions from 2 submitters: Likely pathogenic (2). Last evaluated 2026-01-07.

Conditions:
Hypophosphatasia. Also called: Phosphoethanol-aminuria. Identifiers: Orphanet 436, MedGen C0020630, MeSH D007014, MONDO:0018570.

Submissions (2):

Natera, Inc.
Classification: Likely pathogenic for Hypophosphatasia. Last evaluated: 2026-01-07. Review status: criteria provided, single submitter. Criteria: Natera Variant Classification Schema (03/2026). Collection method: clinical testing. Allele origin: germline.
Comment: The c.407G>T variant in ALPL is a missense variant predicted to cause substitution of arginine to leucine at amino acid 136. This variant is rare in the general population with a frequency below the threshold expected for the associated phenotype(s). This variant has been observed in one or more individuals affected with the associated recessive disease, as either homozygous or compound heterozygous with a second variant (PMID: 24022022). A different variant at the same position has been determined to be Pathogenic or Likely Pathogenic. Computational prediction algorithms indicate this variant is likely to affect gene or protein function. Given the available evidence, this variant is classified as Likely Pathogenic.

Genomenon, Inc
Classification: Likely pathogenic for Hypophosphatasia. Last evaluated: 2025-08-29. Review status: criteria provided, single submitter. Criteria: Genomenon Sequence Variant Interpretation Standards. Collection method: curation. Allele origin: germline. Affected: yes.
Comment: ALPL c.407G>T is a missense variant that changes the amino acid at residue 136 from Arginine to Leucine. This variant has been observed in at least one proband affected with hypophosphatasia (PMID:24022022). It has been observed in trans with a pathogenic variant (PMID:24022022). Functional studies have been reported;however, the significance of the findings remain unclear (PMID:24022022). It is absent or not present at a significant frequency in gnomAD. In silico models agree that this variant is possibly or probably damaging. In conclusion, we classify ALPL p.Arg136Leu (c.407G>T) as a likely pathogenic variant.

Literature cited by the submitters: PubMed 24022022 (cited by Natera, Inc. and Genomenon, Inc).

NM_000478.6(ALPL):c.407G>T (p.Arg136Leu)

Gene: ALPL (alkaline phosphatase, biomineralization associated; plus strand). Cytogenetic location: 1p36.12.
Variant type: single nucleotide variant.
Coding change: c.407G>T on transcript NM_000478.6 (MANE Select); coding-DNA position 407, G replaced by T.
Protein change: p.Arg136Leu; replaces arginine 136 with leucine.
Molecular consequence: missense variant.
Genome position (GRCh38, 1-based): chr1:21,563,219, G>T. VCF-style: chr1-21563219-G-T. GRCh37 (hg19) VCF-style: chr1-21889712-G-T.
Other names: c.407G>T (NM_000478.5); c.242G>T, p.Arg81Leu (NM_001127501.4); c.176G>T, p.Arg59Leu (NM_001177520.3); c.407G>T, p.Arg136Leu (NM_001369803.2, NM_001369804.2, NM_001369805.2); short protein forms R136L, R59L, R81L.
Identifiers: ClinVar variation 4086805 (VCV004086805.2).
Genomic context (GRCh38, chr1:21,563,219, plus strand): 5'-CCTACCTGTGTGGGGTGAAGGCCAATGAGGGCACCGTGGGGGTAAGCGCAGCCACTGAGC[G>T]TTCCCGGTGCAACACCACCCAGGGGAACGAGGTCACCTCCATCCTGCGCTGGGCCAAGGA-3'
Protein context (NP_000469.3, residues 126-146): GTVGVSAATE[Arg136Leu]SRCNTTQGNE